The following is an entry in ClinVar:

ClinVar aggregate classification (germline): Uncertain significance. Review status: criteria provided, multiple submitters, no conflicts (2 of 4 stars). 2 submissions from 2 submitters: Uncertain significance (2). Last evaluated 2024-08-31.

Conditions:
Catecholaminergic polymorphic ventricular tachycardia 1. Also called: VENTRICULAR TACHYCARDIA, STRESS-INDUCED POLYMORPHIC 1; VENTRICULAR TACHYCARDIA, CATECHOLAMINERGIC POLYMORPHIC, 1, WITH OR WITHOUT ATRIAL DYSFUNCTION AND/OR DILATED CARDIOMYOPATHY; RYR2-Related Catecholaminergic Polymorphic Ventricular Tachycardia. Identifiers: Orphanet 3286, MedGen C1631597, MONDO:0011484, OMIM 604772.
Ventricular arrhythmias due to cardiac ryanodine receptor calcium release deficiency syndrome. Also called: Autosomal dominant cardiac arrhythmia (Kuhn). Identifiers: MedGen C5542154, MONDO:0020745, OMIM 115000.
Arrhythmogenic right ventricular dysplasia 2. Identifiers: MedGen C1832931.
Catecholaminergic polymorphic ventricular tachycardia (CVPT). Also called: Catecholamine-induced polymorphic ventricular tachycardia. Identifiers: Orphanet 3286, MedGen C5574922, MONDO:0017990.

Submissions (2):

All of Us Research Program, National Institutes of Health
Classification: Uncertain significance for Catecholaminergic polymorphic ventricular tachycardia. Last evaluated: 2024-08-31. Review status: criteria provided, single submitter. Criteria: ACMG Guidelines, 2015. Collection method: clinical testing. Allele origin: germline. Inheritance: Autosomal dominant inheritance. Observed: 19 variant alleles, 19 heterozygotes.
Comment: Variant of Uncertain Significance due to insufficient evidence: This missense variant is located in the cytoplasmic domain of the RYR2 protein. Computational prediction tools and conservation analyses are inconclusive regarding the impact of this variant on the protein function. Computational splicing tools suggest that this variant may not impact RNA splicing. To our knowledge, functional assays have not been performed for this variant nor has this variant been reported in individuals affected with cardiovascular disorders in the literature. This variant is rare in the general population and has been identified in 0/277264 chromosomes by the Genome Aggregation Database (gnomAD). Available evidence is insufficient to determine the role of this variant in disease conclusively.

This study involves interpretation of variants in research participants for the purpose of population health screening. Participant phenotype was not available at the time of variant classification. Additional details can be found in publication PMID: 35346344, PMCID: PMC8962531

Diagnostics Services (NGS), CSIR - Centre For Cellular And Molecular Biology
Classification: Uncertain significance for Catecholaminergic polymorphic ventricular tachycardia 1; Ventricular arrhythmias due to cardiac ryanodine receptor calcium release deficiency syndrome. Last evaluated: 2022-04-25. Review status: criteria provided, single submitter. Criteria: ACMG Guidelines, 2015. Collection method: clinical testing. Allele origin: unknown. Inheritance: Autosomal dominant inheritance. Affected: yes. Observed: 1 variant allele, 1 heterozygote.
Comment: The c.6484A>C variant is not present in publicly available population databases like 1000 Genomes, EVS, ExAC, gnomAD and Indian Exome Database. The variant is not present in our in-house exome database. The variant was not previously reported to Clinvar, HGMD and/or OMIM databases in any affected individuals. In-silico pathogenicity prediction programs like SIFT, PolyPhen-2, MutationTaster2, CADD etc. predicted this variant to be likely deleterious, however these predictions were not confirmed by any published functional studies.

NM_001035.3(RYR2):c.6484A>C (p.Met2162Leu)

Gene: RYR2 (ryanodine receptor 2; plus strand). Cytogenetic location: 1q43.
Variant type: single nucleotide variant.
Coding change: c.6484A>C on transcript NM_001035.3 (MANE Select); coding-DNA position 6484, A replaced by C.
Protein change: p.Met2162Leu; replaces methionine 2162 with leucine.
Molecular consequence: missense variant.
Genome position (GRCh38, 1-based): chr1:237,631,470, A>C. VCF-style: chr1-237631470-A-C. GRCh37 (hg19) VCF-style: chr1-237794770-A-C.
Other names: short protein forms M2162L.
Identifiers: ClinVar variation 1691305 (VCV001691305.6), dbSNP rs1680242037, ClinGen allele CA345412334.